The following is an entry in ClinVar:

NM_006206.6(PDGFRA):c.2440-3C>T

Gene: PDGFRA (platelet derived growth factor receptor alpha; plus strand). Cytogenetic location: 4q12.
Variant type: single nucleotide variant.
Coding change: c.2440-3C>T on transcript NM_006206.6 (MANE Select); 3 bases into the intron before coding-DNA position 2440, C replaced by T.
Molecular consequence: intron variant.
Genome position (GRCh38, 1-based): chr4:54,285,838, C>T. VCF-style: chr4-54285838-C-T. GRCh37 (hg19) VCF-style: chr4-55152005-C-T.
Other names: c.2515-3C>T (NM_001347828.2); c.2440-3C>T (NM_001347829.2, NM_006206.5); c.2479-3C>T (NM_001347830.2).
Identifiers: ClinVar variation 407387 (VCV000407387.16), dbSNP rs199544294, ClinGen allele CA16611484.

ClinVar aggregate classification (germline): Conflicting classifications of pathogenicity. Review status: criteria provided, conflicting classifications (1 of 4 stars). 4 submissions from 4 submitters: Uncertain significance (2); Likely benign (2). Last evaluated 2026-06-15.

Conditions:
PDGFRA-related disorder. Also called: PDGFRA-related condition.
Polyps, multiple and recurrent inflammatory fibroid, gastrointestinal. Identifiers: MedGen C5193005, MONDO:0008285, OMIM 175510.
Hereditary cancer-predisposing syndrome. Also called: Neoplastic Syndromes, Hereditary; Tumor predisposition; Hereditary Cancer Syndrome; Hereditary neoplastic syndrome. Identifiers: Orphanet 140162, MedGen C0027672, MeSH D009386, MONDO:0015356.
Gastrointestinal stromal tumor. Also called: Gastrointestinal stroma tumor; Gastrointestinal stromal tumor, somatic. Identifiers: Orphanet 44890, MedGen C0238198, MeSH D046152, MONDO:0011719, OMIM 606764, HP:0100723.

Allele frequency attached by ClinVar (database versions not stated): gnomAD exomes 0.00002 and 0.00006; gnomAD 0.00003; TOPMed 0.00003; ESP Exome Variant Server 0.00008.
gnomAD v4.1: 92 of 1,613,854 alleles (0.0057%); highest among the groups gnomAD compares: Middle Eastern, 0.016%; no homozygotes.

Submissions (4):

Myriad Genetics, Inc.
Classification: Likely benign for Polyps, multiple and recurrent inflammatory fibroid, gastrointestinal. Last evaluated: 2026-06-15. Review status: criteria provided, single submitter. Criteria: Myriad Autosomal Dominant, Autosomal Recessive and X-Linked Classification Criteria (2023). Collection method: clinical testing. Allele origin: unknown.
Comment: This variant is considered likely benign. This variant is intronic and is not expected to impact mRNA splicing. This variant has been observed at a population frequency that is significantly greater than expected given the associated disease prevalence and penetrance.

PreventionGenetics, part of Exact Sciences
Classification: Uncertain significance for PDGFRA-related condition. Last evaluated: 2026-04-06. Review status: criteria provided, single submitter. Criteria: ACMG Guidelines, 2015. Collection method: clinical testing. Allele origin: germline.
Comment: The PDGFRA c.2440-3C>T variant is predicted to interfere with splicing. To our knowledge, this variant has not been reported in the literature. This variant is reported in 0.0039% of alleles in individuals of European (Non-Finnish) descent in gnomAD, and has conflicting interpretations of uncertain significance and likely benign in ClinVar (Variation ID: 407387). At this time, the clinical significance of this variant is uncertain due to the absence of conclusive functional and genetic evidence.

Labcorp Genetics (formerly Invitae), Labcorp
Classification: Uncertain significance for Gastrointestinal stromal tumor. Last evaluated: 2026-02-02. Review status: criteria provided, single submitter. Criteria: Invitae Variant Classification Sherloc (09022015). Collection method: clinical testing. Allele origin: germline.
Comment: This sequence change falls in intron 17 of the PDGFRA gene. It does not directly change the encoded amino acid sequence of the PDGFRA protein. It affects a nucleotide within the consensus splice site. This variant is present in population databases (rs199544294, gnomAD 0.005%). This variant has not been reported in the literature in individuals affected with PDGFRA-related conditions. ClinVar contains an entry for this variant (Variation ID: 407387). Variants that disrupt the consensus splice site are a relatively common cause of aberrant splicing (PMID: 17576681, 9536098). Algorithms developed to predict the effect of sequence changes on RNA splicing suggest that this variant is not likely to affect RNA splicing. In summary, the available evidence is currently insufficient to determine the role of this variant in disease. Therefore, it has been classified as a Variant of Uncertain Significance.

Ambry Genetics
Classification: Likely benign for Hereditary cancer-predisposing syndrome. Last evaluated: 2024-03-20. Review status: criteria provided, single submitter. Criteria: Ambry Variant Classification Scheme 2023. Collection method: clinical testing. Allele origin: germline.

Literature cited by the submitters: PubMed 17576681 (cited by Labcorp Genetics (formerly Invitae), Labcorp); PubMed 9536098 (cited by Labcorp Genetics (formerly Invitae), Labcorp).